The following is an entry in ClinVar:

NM_021942.6(TRAPPC11):c.2087G>A (p.Gly696Glu)

Gene: TRAPPC11 (trafficking protein particle complex subunit 11; plus strand). Cytogenetic location: 4q35.1.
Variant type: single nucleotide variant.
Coding change: c.2087G>A on transcript NM_021942.6 (MANE Select); coding-DNA position 2087, G replaced by A.
Protein change: p.Gly696Glu; replaces glycine 696 with glutamic acid.
Molecular consequence: missense variant.
Genome position (GRCh38, 1-based): chr4:183,692,997, G>A. VCF-style: chr4-183692997-G-A. GRCh37 (hg19) VCF-style: chr4-184614150-G-A.
Other names: c.2087G>A, p.Gly696Glu (NM_199053.3); short protein forms G696E.
Identifiers: ClinVar variation 1304634 (VCV001304634.7), dbSNP rs775381679, ClinGen allele CA3152105.

ClinVar aggregate classification (germline): Uncertain significance. Review status: criteria provided, multiple submitters, no conflicts (2 of 4 stars). 2 submissions from 2 submitters: Uncertain significance (2). Last evaluated 2022-08-09.

Conditions:
Autosomal recessive limb-girdle muscular dystrophy type R18 (LGMDR18). Also called: Limb-girdle muscular dystrophy, type 2S; MUSCULAR DYSTROPHY, LIMB-GIRDLE, AUTOSOMAL RECESSIVE 18; Autosomal recessive limb-girdle muscular dystrophy type 2S. Identifiers: Orphanet 369840, MedGen C4517996, MONDO:0014144, OMIM 615356.

Allele frequency attached by ClinVar (database versions not stated): gnomAD 0.00001; gnomAD exomes 0.00001 and 0.00002; TOPMed 0.00001; ExAC 0.00002.
gnomAD v4.1: 4 of 1,613,214 alleles (0.00025%); highest among the groups gnomAD compares: Admixed American, 0.005%; no homozygotes.

Submissions (2):

Labcorp Genetics (formerly Invitae), Labcorp
Classification: Uncertain significance for Autosomal recessive limb-girdle muscular dystrophy type R18. Last evaluated: 2022-08-09. Review status: criteria provided, single submitter. Criteria: Invitae Variant Classification Sherloc (09022015). Collection method: clinical testing. Allele origin: germline.
Comment: In summary, the available evidence is currently insufficient to determine the role of this variant in disease. Therefore, it has been classified as a Variant of Uncertain Significance. Algorithms developed to predict the effect of missense changes on protein structure and function are either unavailable or do not agree on the potential impact of this missense change (SIFT: "Tolerated"; PolyPhen-2: "Probably Damaging"; Align-GVGD: "Class C0"). ClinVar contains an entry for this variant (Variation ID: 1304634). This variant has not been reported in the literature in individuals affected with TRAPPC11-related conditions. This variant is present in population databases (rs775381679, gnomAD 0.01%). This sequence change replaces glycine, which is neutral and non-polar, with glutamic acid, which is acidic and polar, at codon 696 of the TRAPPC11 protein (p.Gly696Glu).

GeneDx
Classification: Uncertain significance. Last evaluated: 2019-11-21. Review status: criteria provided, single submitter. Criteria: GeneDx Variant Classification Process June 2021. Collection method: clinical testing. Allele origin: germline. Affected: yes.
Comment: Not observed at a significant frequency in large population cohorts (Lek et al., 2016); In silico analysis, which includes protein predictors and evolutionary conservation, supports that this variant does not alter protein structure/function; Has not been previously published as pathogenic or benign to our knowledge